The following is an entry in ClinVar:

ClinVar aggregate classification (germline): Likely benign. Review status: criteria provided, multiple submitters, no conflicts (2 of 4 stars). 4 submissions from 4 submitters: Likely benign (3). 1 of the submissions does not count toward it. Last evaluated 2025-05-05.

Conditions:
Ellis-van Creveld syndrome (EVC). Also called: Chondroectodermal dysplasia; MESOECTODERMAL DYSPLASIA. Identifiers: Orphanet 289, MedGen C0013903, MONDO:0009162, OMIM 225500.
Curry-Hall syndrome (WAD). Also called: WEYERS ACRODENTAL DYSOSTOSIS. Identifiers: Orphanet 952, MedGen C0457013, MONDO:0008673, OMIM 193530.

Allele frequency attached by ClinVar (database versions not stated): ExAC 0.00007; ESP Exome Variant Server 0.00008; gnomAD 0.00009 and 0.00011; gnomAD exomes 0.00009 and 0.00010; TOPMed 0.00012.
gnomAD v4.1: 163 of 1,570,350 alleles (0.01%); highest among the groups gnomAD compares: Middle Eastern, 0.088%; no homozygotes.

Submissions (4):

Labcorp Genetics (formerly Invitae), Labcorp
Classification: Likely benign for Curry-Hall syndrome; Ellis-van Creveld syndrome. Last evaluated: 2025-05-05. Review status: criteria provided, single submitter. Criteria: Invitae Variant Classification Sherloc (09022015). Collection method: clinical testing. Allele origin: germline.

Blueprint Genetics
Classification: Likely benign. Last evaluated: 2024-10-11. Review status: criteria provided, single submitter. Criteria: ACMG Guidelines, 2015. Collection method: clinical testing. Allele origin: germline.

CeGaT Center for Human Genetics Tuebingen
Classification: Likely benign. Last evaluated: 2023-01-01. Review status: criteria provided, single submitter. Criteria: CeGaT Center For Human Genetics Tuebingen Variant Classification Criteria Version 2. Collection method: clinical testing. Allele origin: germline. Affected: yes. Observed: 1 variant allele.
Comment: EVC: BP4, BP7

Natera, Inc.
Classification: Likely benign for Ellis-van Creveld syndrome. Last evaluated: 2020-01-17. Review status: no assertion criteria provided. Collection method: clinical testing. Allele origin: germline. Not counted in ClinVar's aggregate classification.

NM_153717.3(EVC):c.759A>G (p.Ser253=)

Gene: EVC (EvC ciliary complex subunit 1; plus strand). Cytogenetic location: 4p16.2.
Variant type: single nucleotide variant.
Coding change: c.759A>G on transcript NM_153717.3 (MANE Select); coding-DNA position 759, A replaced by G.
Protein change: p.Ser253=; no amino-acid change (serine 253 retained).
Molecular consequence: synonymous variant.
Genome position (GRCh38, 1-based): chr4:5,741,772, A>G. VCF-style: chr4-5741772-A-G. GRCh37 (hg19) VCF-style: chr4-5743499-A-G.
Other names: c.759A>G, p.Ser253= (NM_001306090.2, NM_001306092.2).
Identifiers: ClinVar variation 707150 (VCV000707150.37), dbSNP rs201105095, ClinGen allele CA2835838.
Genomic context (GRCh38, chr4:5,741,772, plus strand): 5'-ATAGATGTTTATTCAGATTTTTAAAATGTGCCTCCTTGACCTTCTTCCTAAAAAGAAGTC[A>G]GATGATGAACTATACCAGAAGATCCTTTCAAAACAAGAAAAAGTAAGTCTTCAACCTATG-3'
Protein context (NP_714928.1, residues 243-263): CLLDLLPKKK[Ser253=]DDELYQKILS